The following is an entry in ClinVar:

NM_002890.3(RASA1):c.2339T>G (p.Met780Arg)

Genes: CCNH (cyclin H; minus strand), RASA1 (RAS p21 protein activator 1; plus strand). Cytogenetic location: 5q14.3.
Variant type: single nucleotide variant.
Coding change: c.2339T>G on transcript NM_002890.3 (MANE Select); coding-DNA position 2339, T replaced by G.
Protein change: p.Met780Arg; replaces methionine 780 with arginine.
Molecular consequence: missense variant. On other transcripts: intron variant (1).
Genome position (GRCh38, 1-based): chr5:87,377,035, T>G. VCF-style: chr5-87377035-T-G. GRCh37 (hg19) VCF-style: chr5-86672852-T-G.
Other names: c.1808T>G, p.Met603Arg (NM_022650.3); c.933+18009A>C (NM_001364075.2); short protein forms M780R, M603R.
Identifiers: ClinVar variation 4748143 (VCV004748143.2).

ClinVar aggregate classification (germline): Uncertain significance. Review status: criteria provided, multiple submitters, no conflicts (2 of 4 stars). 2 submissions from 2 submitters: Uncertain significance (2). Last evaluated 2026-07-13.

Conditions:
Cardiovascular phenotype. Identifiers: MedGen CN230736.
Capillary malformation-arteriovenous malformation syndrome. Also called: Capillary malformation-arteriovenous malformation. Identifiers: Orphanet 137667, MedGen C1842180, MONDO:0012016.

gnomAD v4.1: 13 of 1,613,414 alleles (0.00081%); highest among the groups gnomAD compares: Non-Finnish European, 0.0011%; no homozygotes.

Submissions (2):

Ambry Genetics
Classification: Uncertain significance for Cardiovascular phenotype. Last evaluated: 2026-07-13. Review status: criteria provided, single submitter. Criteria: Ambry Variant Classification Scheme 2023. Collection method: clinical testing. Allele origin: germline.
Comment: The p.M780R variant (also known as c.2339T>G), located in coding exon 17 of the RASA1 gene, results from a T to G substitution at nucleotide position 2339. The methionine at codon 780 is replaced by arginine, an amino acid with similar properties. This amino acid position is conserved. In addition, this alteration is predicted to be deleterious by in silico analysis. Based on the available evidence, the clinical significance of this variant remains unclear.

Labcorp Genetics (formerly Invitae), Labcorp
Classification: Uncertain significance for Capillary malformation-arteriovenous malformation syndrome. Last evaluated: 2025-11-08. Review status: criteria provided, single submitter. Criteria: Invitae Variant Classification Sherloc (09022015). Collection method: clinical testing. Allele origin: germline.
Comment: This sequence change replaces methionine, which is neutral and non-polar, with arginine, which is basic and polar, at codon 780 of the RASA1 protein (p.Met780Arg). This variant is present in population databases (no rsID available, gnomAD 0.0009%). This variant has not been reported in the literature in individuals affected with RASA1-related conditions. An algorithm developed to predict the effect of missense changes on protein structure and function (PolyPhen-2) suggests that this variant is likely to be tolerated. Algorithms developed to predict the effect of sequence changes on RNA splicing suggest that this variant may disrupt the consensus splice site. In summary, the available evidence is currently insufficient to determine the role of this variant in disease. Therefore, it has been classified as a Variant of Uncertain Significance.